The following is an entry in ClinVar:

ClinVar aggregate classification (germline): Uncertain significance (1 of 4 stars; one submission).

Conditions:
Hereditary cancer-predisposing syndrome. Also called: Hereditary Cancer Syndrome; Neoplastic Syndromes, Hereditary; Tumor predisposition; Hereditary neoplastic syndrome. Identifiers: Orphanet 140162, MedGen C0027672, MeSH D009386, MONDO:0015356.

Submission:

Ambry Genetics
Classification: Uncertain significance for Hereditary cancer-predisposing syndrome. Last evaluated: 2021-12-01. Review status: criteria provided, single submitter. Criteria: Ambry Variant Classification Scheme 2023. Collection method: clinical testing. Allele origin: germline.
Comment: The p.V177A variant (also known as c.530T>C), located in coding exon 1 of the MET gene, results from a T to C substitution at nucleotide position 530. The valine at codon 177 is replaced by alanine, an amino acid with similar properties. This amino acid position is well conserved in available vertebrate species. In addition, the in silico prediction for this alteration is inconclusive. Since supporting evidence is limited at this time, the clinical significance of this alteration remains unclear.

NM_000245.4(MET):c.530T>C (p.Val177Ala)

Gene: MET (MET proto-oncogene, receptor tyrosine kinase; plus strand). Cytogenetic location: 7q31.2.
Variant type: single nucleotide variant.
Coding change: c.530T>C on transcript NM_000245.4 (MANE Select); coding-DNA position 530, T replaced by C.
Protein change: p.Val177Ala; replaces valine 177 with alanine.
Molecular consequence: missense variant. On other transcripts: intron variant (1).
Genome position (GRCh38, 1-based): chr7:116,699,614, T>C. VCF-style: chr7-116699614-T-C. GRCh37 (hg19) VCF-style: chr7-116339668-T-C.
Other names: c.530T>C, p.Val177Ala (NM_001127500.3, NM_001324401.3); c.-91+27037T>C (NM_001324402.2); short protein forms V177A.
Identifiers: ClinVar variation 1746760 (VCV001746760.2), dbSNP rs2116591211, ClinGen allele CA368969285.